The following is an entry in ClinVar:

ClinVar aggregate classification (germline): Uncertain significance (1 of 4 stars; one submission).

Submission:

Ambry Genetics
Classification: Uncertain significance. Last evaluated: 2023-12-29. Review status: criteria provided, single submitter. Criteria: Ambry Variant Classification Scheme 2023. Collection method: clinical testing. Allele origin: germline.
Comment: The p.E40Q variant (also known as c.118G>C), located in coding exon 3 of the RAD54L gene, results from a G to C substitution at nucleotide position 118. The glutamic acid at codon 40 is replaced by glutamine, an amino acid with highly similar properties. This amino acid position is conserved. In addition, this alteration is predicted to be tolerated by in silico analysis. Since supporting evidence is limited at this time, the clinical significance of this alteration remains unclear.

NM_003579.4(RAD54L):c.118G>C (p.Glu40Gln)

Gene: RAD54L (RAD54 like; plus strand). Cytogenetic location: 1p34.1.
Variant type: single nucleotide variant.
Coding change: c.118G>C on transcript NM_003579.4 (MANE Select); coding-DNA position 118, G replaced by C.
Protein change: p.Glu40Gln; replaces glutamic acid 40 with glutamine.
Molecular consequence: missense variant. On other transcripts: 5 prime UTR variant (1).
Genome position (GRCh38, 1-based): chr1:46,250,027, G>C. VCF-style: chr1-46250027-G-C. GRCh37 (hg19) VCF-style: chr1-46715699-G-C.
Other names: c.118G>C, p.Glu40Gln (NM_001142548.2); c.-423G>C (NM_001370766.1); short protein forms E40Q.
Identifiers: ClinVar variation 3223395 (VCV003223395.1), dbSNP rs1421471663, ClinGen allele CA340175615.